The following is an entry in ClinVar:

NM_203447.4(DOCK8):c.4945G>A (p.Ala1649Thr)

Gene: DOCK8 (dedicator of cytokinesis 8; plus strand). Cytogenetic location: 9p24.3.
Variant type: single nucleotide variant.
Coding change: c.4945G>A on transcript NM_203447.4 (MANE Select); coding-DNA position 4945, G replaced by A.
Protein change: p.Ala1649Thr; replaces alanine 1649 with threonine.
Molecular consequence: missense variant.
Genome position (GRCh38, 1-based): chr9:434,841, G>A. VCF-style: chr9-434841-G-A. GRCh37 (hg19) VCF-style: chr9-434841-G-A.
Other names: c.4645G>A, p.Ala1549Thr (NM_001190458.2); c.4741G>A, p.Ala1581Thr (NM_001193536.2); short protein forms A1581T, A1549T, A1649T.
Identifiers: ClinVar variation 1500655 (VCV001500655.5), dbSNP rs764627735, ClinGen allele CA4959257.

ClinVar aggregate classification (germline): Uncertain significance (1 of 4 stars; one submission).

Conditions:
Combined immunodeficiency due to DOCK8 deficiency (HIES2). Also called: HIES autosomal recessive; DOCK8 Deficiency; Hyper-IgE recurrent infection syndrome, autosomal recessive; HYPER-IgE SYNDROME 2, AUTOSOMAL RECESSIVE, WITH RECURRENT INFECTIONS; HYPER-IgE RECURRENT INFECTION SYNDROME 2, AUTOSOMAL RECESSIVE. Identifiers: Orphanet 217390, MedGen C4722305, MONDO:0009478, OMIM 243700.

Allele frequency attached by ClinVar (database versions not stated): gnomAD exomes below 0.00001; ExAC 0.00001; TOPMed 0.00001.
gnomAD v4.1: 1 of 1,614,130 alleles (0.000062%); highest among the groups gnomAD compares: African/African-American, 0.0013%; no homozygotes.

Submission:

Labcorp Genetics (formerly Invitae), Labcorp
Classification: Uncertain significance for Combined immunodeficiency due to DOCK8 deficiency. Last evaluated: 2021-08-26. Review status: criteria provided, single submitter. Criteria: Invitae Variant Classification Sherloc (09022015). Collection method: clinical testing. Allele origin: germline.
Comment: This sequence change replaces alanine with threonine at codon 1649 of the DOCK8 protein (p.Ala1649Thr). The alanine residue is highly conserved and there is a small physicochemical difference between alanine and threonine. This variant is present in population databases (rs764627735, ExAC 0.01%). This variant has not been reported in the literature in individuals affected with DOCK8-related conditions. Algorithms developed to predict the effect of missense changes on protein structure and function are either unavailable or do not agree on the potential impact of this missense change (SIFT: "Deleterious"; PolyPhen-2: "Possibly Damaging"; Align-GVGD: "Class C0"). In summary, the available evidence is currently insufficient to determine the role of this variant in disease. Therefore, it has been classified as a Variant of Uncertain Significance.